The following is an entry in ClinVar:

ClinVar aggregate classification (germline): Benign (1 of 4 stars; one submission).

gnomAD v4.1: 2,760 of 1,612,636 alleles (0.17%); highest among the groups gnomAD compares: South Asian, 1.1%; 17 homozygotes.

Submission:

CeGaT Center for Human Genetics Tuebingen
Classification: Benign. Last evaluated: 2026-01-01. Review status: criteria provided, single submitter. Criteria: CeGaT Center For Human Genetics Tuebingen Variant Classification Criteria Version 2. Collection method: clinical testing. Allele origin: germline. Affected: yes. Observed: 1 variant allele.
Comment: CLCA4: BP4, BS1, BS2

NM_012128.4(CLCA4):c.1924G>A (p.Val642Ile)

Genes: CLCA4 (chloride channel accessory 4; plus strand), CLCA4-AS1 (CLCA4 antisense RNA 1; minus strand). Cytogenetic location: 1p22.3.
Variant type: single nucleotide variant.
Coding change: c.1924G>A on transcript NM_012128.4 (MANE Select); coding-DNA position 1924, G replaced by A.
Protein change: p.Val642Ile; replaces valine 642 with isoleucine.
Molecular consequence: missense variant. On other transcripts: non-coding transcript variant (1).
Genome position (GRCh38, 1-based): chr1:86,575,572, G>A. VCF-style: chr1-86575572-G-A. GRCh37 (hg19) VCF-style: chr1-87041255-G-A.
Other names: short protein forms V642I.
Identifiers: ClinVar variation 4820748 (VCV004820748.4).